The following is an entry in ClinVar:

ClinVar aggregate classification (germline): Conflicting classifications of pathogenicity. Review status: criteria provided, conflicting classifications (1 of 4 stars). 3 submissions from 3 submitters: Uncertain significance (2); Likely benign (1). Last evaluated 2024-09-12.

Conditions:
Inborn genetic diseases. Identifiers: MedGen C0950123, MeSH D030342.

Allele frequency attached by ClinVar (database versions not stated): TOPMed below 0.00001; gnomAD 0.00001 and 0.00003; gnomAD exomes 0.00010; ExAC 0.00012.

Submissions (3):

Ambry Genetics
Classification: Likely benign for Inborn genetic diseases. Last evaluated: 2024-09-12. Review status: criteria provided, single submitter. Criteria: Ambry Variant Classification Scheme 2023. Collection method: clinical testing. Allele origin: germline.

Labcorp Genetics (formerly Invitae), Labcorp
Classification: Uncertain significance. Last evaluated: 2022-07-05. Review status: criteria provided, single submitter. Criteria: Invitae Variant Classification Sherloc (09022015). Collection method: clinical testing. Allele origin: germline.
Comment: This sequence change replaces serine, which is neutral and polar, with leucine, which is neutral and non-polar, at codon 1407 of the TUBGCP6 protein (p.Ser1407Leu). In summary, the available evidence is currently insufficient to determine the role of this variant in disease. Therefore, it has been classified as a Variant of Uncertain Significance. Algorithms developed to predict the effect of missense changes on protein structure and function output the following: SIFT: "Tolerated"; PolyPhen-2: "Benign"; Align-GVGD: "Class C0". The leucine amino acid residue is found in multiple mammalian species, which suggests that this missense change does not adversely affect protein function. ClinVar contains an entry for this variant (Variation ID: 1303530). This variant has not been reported in the literature in individuals affected with TUBGCP6-related conditions. This variant is present in population databases (rs557453599, gnomAD 0.08%).

GeneDx
Classification: Uncertain significance. Last evaluated: 2020-05-19. Review status: criteria provided, single submitter. Criteria: GeneDx Variant Classification Process June 2021. Collection method: clinical testing. Allele origin: germline. Affected: yes.
Comment: In silico analysis supports that this missense variant does not alter protein structure/function; Has not been previously published as pathogenic or benign to our knowledge

NM_020461.4(TUBGCP6):c.4220C>T (p.Ser1407Leu)

Gene: TUBGCP6 (tubulin gamma complex component 6; minus strand). Cytogenetic location: 22q13.33.
Variant type: single nucleotide variant.
Coding change: c.4220C>T on transcript NM_020461.4 (MANE Select); coding-DNA position 4220, C replaced by T.
Protein change: p.Ser1407Leu; replaces serine 1407 with leucine.
Molecular consequence: missense variant.
Genome position (GRCh38, 1-based): chr22:50,219,739, G>A on the plus strand (C>T on the coding strand, the complement: TUBGCP6 is on the minus strand). VCF-style: chr22-50219739-G-A. GRCh37 (hg19) VCF-style: chr22-50658168-G-A.
Other names: short protein forms S1407L.
Identifiers: ClinVar variation 1303530 (VCV001303530.8), dbSNP rs557453599, ClinGen allele CA10307618.